The following is an entry in ClinVar:

ClinVar aggregate classification (germline): Uncertain significance (1 of 4 stars; one submission).

gnomAD v4.1: 21 of 1,605,338 alleles (0.0013%); highest among the groups gnomAD compares: Middle Eastern, 0.033%; no homozygotes.

Submission:

Ambry Genetics
Classification: Uncertain significance. Last evaluated: 2024-10-15. Review status: criteria provided, single submitter. Criteria: Ambry Variant Classification Scheme 2023. Collection method: clinical testing. Allele origin: germline.
Comment: The p.P1052L variant (also known as c.3155C>T), located in coding exon 12 of the WNK2 gene, results from a C to T substitution at nucleotide position 3155. The proline at codon 1052 is replaced by leucine, an amino acid with similar properties. This amino acid position is conserved. In addition, the in silico prediction for this alteration is inconclusive. Based on the available evidence, the clinical significance of this variant remains unclear.

NM_006648.4(WNK2):c.3155C>T (p.Pro1052Leu)

Gene: WNK2 (WNK lysine deficient protein kinase 2; plus strand). Cytogenetic location: 9q22.31.
Variant type: single nucleotide variant.
Coding change: c.3155C>T on transcript NM_006648.4 (MANE Select); coding-DNA position 3155, C replaced by T.
Protein change: p.Pro1052Leu; replaces proline 1052 with leucine.
Molecular consequence: missense variant.
Genome position (GRCh38, 1-based): chr9:93,261,902, C>T. VCF-style: chr9-93261902-C-T. GRCh37 (hg19) VCF-style: chr9-96024184-C-T.
Other names: c.3155C>T, p.Pro1052Leu (NM_001282394.3); short protein forms P1052L.
Identifiers: ClinVar variation 3470108 (VCV003470108.1).